The following is an entry in ClinVar:

ClinVar aggregate classification (germline): Uncertain significance (1 of 4 stars; one submission).

Conditions:
Menkes kinky-hair syndrome (MNK). Also called: Copper transport disease; Menkes Disease; Classic Menkes Disease. Identifiers: Orphanet 565, MedGen C0022716, MONDO:0010651, OMIM 309400.
Cutis laxa, X-linked (OHS). Also called: EDS IX; Occipital horn syndrome. Identifiers: Orphanet 198, MedGen C0268353, MONDO:0010572, OMIM 304150.
X-linked distal spinal muscular atrophy type 3. Also called: ATP7A-Related Distal Motor Neuropathy; SPINAL MUSCULAR ATROPHY, DISTAL, X-LINKED RECESSIVE; NEURONOPATHY, DISTAL HEREDITARY MOTOR, X-LINKED; NEUROPATHY, DISTAL HEREDITARY MOTOR, X-LINKED. Identifiers: Orphanet 139557, MedGen C1845359, MONDO:0010338, OMIM 300489.

Submission:

Labcorp Genetics (formerly Invitae), Labcorp
Classification: Uncertain significance for X-linked distal spinal muscular atrophy type 3; Cutis laxa, X-linked; Menkes kinky-hair syndrome. Last evaluated: 2022-06-12. Review status: criteria provided, single submitter. Criteria: Invitae Variant Classification Sherloc (09022015). Collection method: clinical testing. Allele origin: germline.
Comment: In summary, the available evidence is currently insufficient to determine the role of this variant in disease. Therefore, it has been classified as a Variant of Uncertain Significance. Advanced modeling of protein sequence and biophysical properties (such as structural, functional, and spatial information, amino acid conservation, physicochemical variation, residue mobility, and thermodynamic stability) performed at Invitae indicates that this missense variant is not expected to disrupt ATP7A protein function. This variant has not been reported in the literature in individuals affected with ATP7A-related conditions. This variant is not present in population databases (gnomAD no frequency). This sequence change replaces lysine, which is basic and polar, with isoleucine, which is neutral and non-polar, at codon 1094 of the ATP7A protein (p.Lys1094Ile).

NM_000052.7(ATP7A):c.3281A>T (p.Lys1094Ile)

Gene: ATP7A (ATPase copper transporting alpha; plus strand). Cytogenetic location: Xq21.1.
Variant type: single nucleotide variant.
Coding change: c.3281A>T on transcript NM_000052.7 (MANE Select); coding-DNA position 3281, A replaced by T.
Protein change: p.Lys1094Ile; replaces lysine 1094 with isoleucine.
Molecular consequence: missense variant. On other transcripts: non-coding transcript variant (1).
Genome position (GRCh38, 1-based): chrX:78,031,569, A>T. VCF-style: chrX-78031569-A-T. GRCh37 (hg19) VCF-style: chrX-77287067-A-T.
Other names: c.3047A>T, p.Lys1016Ile (NM_001282224.2); short protein forms K1094I, K1016I.
Identifiers: ClinVar variation 2005075 (VCV002005075.4), dbSNP rs2522397464, ClinGen allele CA413603795.